The following is an entry in ClinVar:

NM_004329.3(BMPR1A):c.1330T>C (p.Cys444Arg)

Gene: BMPR1A (bone morphogenetic protein receptor type 1A; plus strand). Cytogenetic location: 10q23.2.
Variant type: single nucleotide variant.
Coding change: c.1330T>C on transcript NM_004329.3 (MANE Select); coding-DNA position 1330, T replaced by C.
Protein change: p.Cys444Arg; replaces cysteine 444 with arginine.
Molecular consequence: missense variant.
Genome position (GRCh38, 1-based): chr10:86,921,683, T>C. VCF-style: chr10-86921683-T-C. GRCh37 (hg19) VCF-style: chr10-88681440-T-C.
Other names: short protein forms C444R.
Identifiers: ClinVar variation 438902 (VCV000438902.18), dbSNP rs774061725, ClinGen allele CA5585683.

ClinVar aggregate classification (germline): Conflicting classifications of pathogenicity. Review status: criteria provided, conflicting classifications (1 of 4 stars). 5 submissions from 5 submitters: Likely pathogenic (1); Uncertain significance (4). Last evaluated 2025-05-07.

Conditions:
Juvenile polyposis syndrome (JPS). Identifiers: Orphanet 2929, MedGen C0345893, MONDO:0017380, OMIM 174900.
Hereditary cancer-predisposing syndrome. Also called: Hereditary Cancer Syndrome; Hereditary neoplastic syndrome; Tumor predisposition; Neoplastic Syndromes, Hereditary. Identifiers: Orphanet 140162, MedGen C0027672, MeSH D009386, MONDO:0015356.

Allele frequency attached by ClinVar (database versions not stated): gnomAD exomes below 0.00001; ExAC 0.00001.
gnomAD v4.1: 2 of 1,614,224 alleles (0.00012%); highest among the groups gnomAD compares: Non-Finnish European, 0.00017%; no homozygotes.

Submissions (5):

Labcorp Genetics (formerly Invitae), Labcorp
Classification: Uncertain significance for Juvenile polyposis syndrome. Last evaluated: 2025-05-07. Review status: criteria provided, single submitter. Criteria: Invitae Variant Classification Sherloc (09022015). Collection method: clinical testing. Allele origin: germline.
Comment: This sequence change replaces cysteine, which is neutral and slightly polar, with arginine, which is basic and polar, at codon 444 of the BMPR1A protein (p.Cys444Arg). This variant is present in population databases (rs774061725, gnomAD 0.0009%). This variant has not been reported in the literature in individuals affected with BMPR1A-related conditions. ClinVar contains an entry for this variant (Variation ID: 438902). Invitae Evidence Modeling of protein sequence and biophysical properties (such as structural, functional, and spatial information, amino acid conservation, physicochemical variation, residue mobility, and thermodynamic stability) has been performed for this missense variant. However, the output from this modeling did not meet the statistical confidence thresholds required to predict the impact of this variant on BMPR1A protein function. In summary, the available evidence is currently insufficient to determine the role of this variant in disease. Therefore, it has been classified as a Variant of Uncertain Significance.

Ambry Genetics
Classification: Uncertain significance for Hereditary cancer-predisposing syndrome. Last evaluated: 2024-11-19. Review status: criteria provided, single submitter. Criteria: Ambry Variant Classification Scheme 2023. Collection method: clinical testing. Allele origin: germline.
Comment: The p.C444R variant (also known as c.1330T>C), located in coding exon 9 of the BMPR1A gene, results from a T to C substitution at nucleotide position 1330. The cysteine at codon 444 is replaced by arginine, an amino acid with highly dissimilar properties. This amino acid position is highly conserved in available vertebrate species. In addition, this alteration is predicted to be deleterious by in silico analysis. Based on the available evidence, the clinical significance of this variant remains unclear.

All of Us Research Program, National Institutes of Health
Classification: Uncertain significance for Juvenile polyposis syndrome. Last evaluated: 2024-09-23. Review status: criteria provided, single submitter. Criteria: ACMG Guidelines, 2015. Collection method: clinical testing. Allele origin: germline. Inheritance: Autosomal dominant inheritance. Observed: 2 variant alleles, 2 heterozygotes.
Comment: This study involves interpretation of variants in research participants for the purpose of population health screening. Participant phenotype was not available at the time of variant classification. Additional details can be found in publication PMID: 35346344, PMCID: PMC8962531

Quest Diagnostics Nichols Institute San Juan Capistrano
Classification: Uncertain significance. Last evaluated: 2017-05-04. Review status: criteria provided, single submitter. Criteria: Quest Diagnostics criteria. Collection method: clinical testing. Allele origin: germline.

Clinical Genetics and Genomics, Karolinska University Hospital
Classification: Likely pathogenic. Last evaluated: 2015-05-19. Review status: criteria provided, single submitter. Criteria: ACMG Guidelines, 2015. Collection method: clinical testing. Allele origin: germline. Affected: yes. Observed: 1 variant allele.